The following is an entry in ClinVar:

NM_001384474.1(LOXHD1):c.3816G>A (p.Thr1272=)

Gene: LOXHD1 (lipoxygenase homology PLAT domains 1; minus strand). Cytogenetic location: 18q21.1.
Variant type: single nucleotide variant.
Coding change: c.3816G>A on transcript NM_001384474.1 (MANE Select); coding-DNA position 3816, G replaced by A.
Protein change: p.Thr1272=; no amino-acid change (threonine 1272 retained).
Molecular consequence: synonymous variant.
Genome position (GRCh38, 1-based): chr18:46,541,873, C>T on the plus strand (G>A on the coding strand, the complement: LOXHD1 is on the minus strand). VCF-style: chr18-46541873-C-T. GRCh37 (hg19) VCF-style: chr18-44121836-C-T.
Other names: c.483G>A, p.Thr161= (NM_001145472.3); c.195G>A, p.Thr65= (NM_001308013.2); c.3816G>A, p.Thr1272= (NM_144612.7).
Identifiers: ClinVar variation 517588 (VCV000517588.12), dbSNP rs1031241585, ClinGen allele CA299805688.

ClinVar aggregate classification (germline): Likely benign. Review status: criteria provided, multiple submitters, no conflicts (2 of 4 stars). 2 submissions from 2 submitters: Likely benign (2). Last evaluated 2025-09-15.

Allele frequency attached by ClinVar (database versions not stated): gnomAD 0.00003; gnomAD exomes 0.00003 and 0.00004; TOPMed 0.00003.
gnomAD v4.1: 47 of 1,551,612 alleles (0.003%); highest among the groups gnomAD compares: Admixed American, 0.029%; no homozygotes.

Submissions (2):

Labcorp Genetics (formerly Invitae), Labcorp
Classification: Likely benign. Last evaluated: 2025-09-15. Review status: criteria provided, single submitter. Criteria: Invitae Variant Classification Sherloc (09022015). Collection method: clinical testing. Allele origin: germline.

Laboratory for Molecular Medicine, Mass General Brigham Personalized Medicine
Classification: Likely benign. Last evaluated: 2017-09-04. Review status: criteria provided, single submitter. Criteria: LMM Criteria. Collection method: clinical testing. Allele origin: germline. Observed: 1 variant allele.
Comment: p.Thr1272Thr in exon 25 of LOXHD1: This variant is not expected to have clinical significance because it does not alter an amino acid residue and is not located within the splice consensus sequence. This variant has been identified in 4/247 92 Latino chromosomes by the Genome Aggregation Database (gnomAD.).